The following is an entry in ClinVar:

NM_033305.3(VPS13A):c.6217del (p.Ser2073fs)

Gene: VPS13A (vacuolar protein sorting 13 homolog A; plus strand). Cytogenetic location: 9q21.2.
Variant type: Deletion.
Coding change: c.6217del on transcript NM_033305.3 (MANE Select); coding-DNA position 6217, one base deleted (T; older notation c.6217delT).
Protein change: p.Ser2073fs; shifts the reading frame from serine 2073.
Molecular consequence: frameshift variant.
Genome position (GRCh38, 1-based): chr9:77,337,376, T deleted; the last of 2 consecutive T bases (chr9:77,337,375-77,337,376); deleting either gives the same sequence. VCF-style (leftmost placement, unchanged base first): chr9-77337374-CT-C. GRCh37 (hg19) VCF-style: chr9-79952290-CT-C.
Other names: c.6100del, p.Ser2034fs (NM_001018037.2); c.6217del, p.Ser2073fs (NM_001018038.3, NM_015186.4); short protein forms S2034fs, S2073fs.
Identifiers: ClinVar variation 5015433 (VCV005015433.1).

ClinVar aggregate classification (germline): Pathogenic (1 of 4 stars; one submission).

Conditions:
VPS13A-related neurodegenerative disease. Also called: ACANTHOCYTOSIS WITH NEUROLOGIC DISORDER; LEVINE-CRITCHLEY SYNDROME; Choreoacanthocytosis; Chorea-acanthocytosis; Choreaacanthocytosis; VPS13A Disease. Identifiers: Orphanet 2388, MedGen C0393576, MONDO:0008695, OMIM 200150.

Submission:

Myriad Genetics, Inc.
Classification: Pathogenic for VPS13A-related neurodegenerative disease. Last evaluated: 2026-01-17. Review status: criteria provided, single submitter. Criteria: Myriad Autosomal Dominant, Autosomal Recessive and X-Linked Classification Criteria (2023). Collection method: clinical testing. Allele origin: unknown.
Comment: NM_033305.2(VPS13A):c.6217delT(S2073Lfs*16) is expected to be pathogenic in the context of VPS13A disease. This variant is predicted to lead to an abnormal or absent protein product due to the creation of a premature termination codon in VPS13A, a gene where loss-of-function variants are known to be pathogenic. Please note: this variant was assessed in the context of healthy population screening.